The following is an entry in ClinVar:

ClinVar aggregate classification (germline): Uncertain significance (1 of 4 stars; one submission).

Conditions:
Testosterone 17-beta-dehydrogenase deficiency. Also called: 46,XY disorder of sex development due to 17-beta-hydroxysteroid dehydrogenase 3 deficiency; Pseudohermaphroditism male with gynecomastia; 17-beta hydroxysteroid dehydrogenase 3 deficiency; 17 alpha ketosteroid reductase deficiency of testis; 17 alpha KSR deficiency; Neutral 17 beta hydroxysteroid oxidoreductase deficiency. Identifiers: Orphanet 752, MedGen C0268296, MONDO:0009916, OMIM 264300. Disease mechanism: loss of function.

Submission:

3billion
Classification: Uncertain significance for Testosterone 17-beta-dehydrogenase deficiency. Last evaluated: 2023-02-23. Review status: criteria provided, single submitter. Criteria: ACMG Guidelines, 2015. Collection method: clinical testing. Allele origin: unknown. Affected: yes.
Comment: The variant is not observed in the gnomAD v2.1.1 dataset. Inframe deletion located in a nonrepeat region was predicted to change the length of the protein and disrupt normal protein function. Therefore, this variant is classified as VUS according to the recommendation of ACMG/AMP guideline.

NM_000197.2(HSD17B3):c.257_265del (p.Glu86_Ile88del)

Genes: HSD17B3 (hydroxysteroid 17-beta dehydrogenase 3; minus strand), SLC35D2-HSD17B3 (SLC35D2-HSD17B3 readthrough; minus strand). Cytogenetic location: 9q22.32.
Variant type: Deletion.
Coding change: c.257_265del on transcript NM_000197.2 (MANE Select); coding-DNA positions 257 to 265, 9 bases deleted (AGGCCATTG; older notation c.257_265delAGGCCATTG).
Protein change: p.Glu86_Ile88del.
Molecular consequence: inframe deletion.
Genome position (GRCh38, 1-based): chr9:96,254,880-96,254,888, CAATGGCCT deleted on the plus strand (AGGCCATTG on the coding strand, the reverse complement: HSD17B3 is on the minus strand); deleting any 9 consecutive bases within chr9:96,254,880-96,254,889 gives the same sequence; the c. name uses the placement nearest the transcript's 3' end. VCF-style (leftmost placement, unchanged base first): chr9-96254879-GCAATGGCCT-G. GRCh37 (hg19) VCF-style: chr9-99017161-GCAATGGCCT-G.
Identifiers: ClinVar variation 2444246 (VCV002444246.1), dbSNP rs2490090796, ClinGen allele CA2580080740.
Genomic context (GRCh38, chr9:96,254,879, plus strand): 5'-TTGGTTGGAGGGCTCCACACACATCTCCCTTATTTGGGGGGTCACTCACCGATCTCTGTG[GCAATGGCCT>G]CTAGTTTTTCCAGCGTCCGGCTAATAAGGACAACATTGAGTCCACGTTTTGCTAGCTGAG-3'